The following is an entry in ClinVar:

NM_000051.4(ATM):c.8628_8629del (p.Leu2877fs)

Genes: ATM (ATM serine/threonine kinase; plus strand), C11orf65 (chromosome 11 open reading frame 65; minus strand). Cytogenetic location: 11q22.3.
Variant type: Deletion.
Coding change: c.8628_8629del on transcript NM_000051.4 (MANE Select); coding-DNA positions 8628 to 8629, 2 bases deleted (CT; older notation c.8628_8629delCT).
Protein change: p.Leu2877fs; shifts the reading frame from leucine 2877.
Molecular consequence: frameshift variant. On other transcripts: intron variant (2).
Genome position (GRCh38, 1-based): chr11:108,347,322-108,347,323, CT deleted; deleting any 2 consecutive bases within chr11:108,347,321-108,347,323 gives the same sequence; the c. name uses the placement nearest the transcript's 3' end. VCF-style (leftmost placement, unchanged base first): chr11-108347320-ATC-A. GRCh37 (hg19) VCF-style: chr11-108218047-ATC-A.
Other names: c.8628_8629del, p.Leu2877fs (NM_001351834.2); c.641-38251_641-38250del (NM_001330368.2); c.695-12030_695-12029del (NM_001351110.2); short protein forms L2877fs.
Identifiers: ClinVar variation 2093474 (VCV002093474.5), dbSNP rs2547461613, ClinGen allele CA2580083470.

ClinVar aggregate classification (germline): Pathogenic. Review status: criteria provided, multiple submitters, no conflicts (2 of 4 stars). 2 submissions from 2 submitters: Pathogenic (2). Last evaluated 2024-02-05.

Conditions:
Familial cancer of breast. Also called: BREAST CANCER, FAMILIAL; hereditary breast carcinoma; Hereditary breast cancer. Identifiers: Orphanet 227535, MedGen C0346153, MONDO:0016419, OMIM 114480. Disease mechanism: loss of function.
Ataxia-telangiectasia syndrome (AT). Also called: ATAXIA-TELANGIECTASIA, COMPLEMENTATION GROUP A; ATAXIA-TELANGIECTASIA, FRESNO VARIANT; Ataxia-telangiectasia; Ataxia-telangiectasia, complementation group E; LOUIS-BAR SYNDROME; Cerebello-oculocutaneous telangiectasia. Identifiers: Orphanet 100, MedGen C0004135, MONDO:0008840, OMIM 208900.

Submissions (2):

Myriad Genetics, Inc.
Classification: Pathogenic for Familial cancer of breast. Last evaluated: 2024-02-05. Review status: criteria provided, single submitter. Criteria: Myriad Autosomal Dominant, Autosomal Recessive and X-Linked Classification Criteria (2023). Collection method: clinical testing. Allele origin: unknown.
Comment: This variant is considered pathogenic. This variant creates a frameshift predicted to result in premature protein truncation.

Labcorp Genetics (formerly Invitae), Labcorp
Classification: Pathogenic for Ataxia-telangiectasia syndrome. Last evaluated: 2022-02-05. Review status: criteria provided, single submitter. Criteria: Invitae Variant Classification Sherloc (09022015). Collection method: clinical testing. Allele origin: germline.
Comment: For these reasons, this variant has been classified as Pathogenic. This variant has not been reported in the literature in individuals affected with ATM-related conditions. This variant is not present in population databases (gnomAD no frequency). This sequence change creates a premature translational stop signal (p.Leu2877Aspfs*3) in the ATM gene. It is expected to result in an absent or disrupted protein product. Loss-of-function variants in ATM are known to be pathogenic (PMID: 23807571, 25614872).

Literature cited by the submitters: PubMed 23807571 (cited by Labcorp Genetics (formerly Invitae), Labcorp); PubMed 25614872 (cited by Labcorp Genetics (formerly Invitae), Labcorp).